The following is an entry in ClinVar:

ClinVar aggregate classification (germline): Benign. Review status: criteria provided, multiple submitters, no conflicts (2 of 4 stars). 3 submissions from 3 submitters: Benign (2). 1 of the submissions does not count toward it. Last evaluated 2016-03-29.

Conditions:
LRIG1-related disorder. Also called: LRIG1-related condition.

Allele frequency attached by ClinVar (database versions not stated): 1000 Genomes Project 30x 0.70956; 1000 Genomes Project 0.71985; TOPMed 0.74104; gnomAD 0.75533 and 0.76805; ESP Exome Variant Server 0.81479; ExAC 0.91703; gnomAD exomes 0.91975.
gnomAD v4.1: 1,406,712 of 1,494,546 alleles (94%); highest among the groups gnomAD compares: Non-Finnish European, 99%; 679,457 homozygotes.

Submissions (3):

Laboratory for Molecular Medicine, Mass General Brigham Personalized Medicine
Classification: Benign. Last evaluated: 2016-03-29. Review status: criteria provided, single submitter. Criteria: LMM Criteria. Collection method: clinical testing. Allele origin: germline.
Comment: Variant identified in a genome or exome case(s) and assessed due to predicted null impact of the variant or pathogenic assertions in the literature or databases. Disclaimer: This variant has not undergone full assessment. The following are preliminary notes: Frequency

Breakthrough Genomics
Classification: Benign. Review status: criteria provided, single submitter. Criteria: ACMG Guidelines, 2015. Collection method: not provided. Allele origin: germline. Inheritance: Unknown mechanism. Affected: yes.

PreventionGenetics, part of Exact Sciences
Classification: Benign for LRIG1-related condition. Last evaluated: 2019-10-21. Review status: no assertion criteria provided. Collection method: clinical testing. Allele origin: germline. Not counted in ClinVar's aggregate classification.
Comment: This variant is classified as benign based on ACMG/AMP sequence variant interpretation guidelines (Richards et al. 2015 PMID: 25741868, with internal and published modifications).

NM_015541.3(LRIG1):c.76C>G (p.Leu26Val)

Gene: LRIG1 (leucine rich repeats and immunoglobulin like domains 1; minus strand). Cytogenetic location: 3p14.1.
Variant type: single nucleotide variant.
Coding change: c.76C>G on transcript NM_015541.3 (MANE Select); coding-DNA position 76, C replaced by G.
Protein change: p.Leu26Val; replaces leucine 26 with valine.
Molecular consequence: missense variant. On other transcripts: intron variant (1).
Genome position (GRCh38, 1-based): chr3:66,500,332, G>C on the plus strand (C>G on the coding strand, the complement: LRIG1 is on the minus strand). VCF-style: chr3-66500332-G-C. GRCh37 (hg19) VCF-style: chr3-66550756-G-C.
Other names: c.76C>G, p.Leu26Val (NM_001377344.1); c.-563+761C>G (NM_001377345.1); short protein forms L26V.
Identifiers: ClinVar variation 403057 (VCV000403057.7), dbSNP rs1403625, ClinGen allele CA2485306.